The following is an entry in ClinVar:

NM_024407.5(NDUFS7):c.506G>T (p.Gly169Val)

Gene: NDUFS7 (NADH:ubiquinone oxidoreductase core subunit S7; plus strand). Cytogenetic location: 19p13.3.
Variant type: single nucleotide variant.
Coding change: c.506G>T on transcript NM_024407.5 (MANE Select); coding-DNA position 506, G replaced by T.
Protein change: p.Gly169Val; replaces glycine 169 with valine.
Molecular consequence: missense variant.
Genome position (GRCh38, 1-based): chr19:1,393,292, G>T. VCF-style: chr19-1393292-G-T. GRCh37 (hg19) VCF-style: chr19-1393291-G-T.
Other names: c.506G>T, p.Gly169Val (NM_001363602.2); short protein forms G169V.
Identifiers: ClinVar variation 3902694 (VCV003902694.1).

ClinVar aggregate classification (germline): Uncertain significance (1 of 4 stars; one submission).

Submission:

Women's Health and Genetics/Laboratory Corporation of America, LabCorp
Classification: Uncertain significance. Last evaluated: 2025-05-27. Review status: criteria provided, single submitter. Criteria: LabCorp Variant Classification Summary - May 2015. Collection method: clinical testing. Allele origin: germline.
Comment: Variant summary: NDUFS7 c.506G>T (p.Gly169Val) results in a non-conservative amino acid change in the encoded protein sequence. Algorithms developed to predict the effect of missense changes on protein structure and function all suggest that this variant is likely to be disruptive. The variant was absent in 209576 control chromosomes (gnomAD). The available data on variant occurrences in the general population are insufficient to allow any conclusion about variant significance. c.506G>T has been observed in an individual affected with Leigh Syndrome (Ogawa_2020). These data do not allow any conclusion about variant significance. To our knowledge, no experimental evidence demonstrating an impact on protein function has been reported. The following publication has been ascertained in the context of this evaluation (PMID: 31967322). No submitters have cited clinical-significance assessments for this variant to ClinVar. Based on the evidence outlined above, the variant was classified as uncertain significance.

Literature cited by the submitters: PubMed 31967322.